The following is an entry in ClinVar:

NM_001267550.2(TTN):c.47003_47004insGCTCCCTCTCCCTCTCCCTCTCCCTCTCCCTCTCCCTCTCCCTCTCCCTNNNNNNNNNNAAAAAAAAAAAAAAAAAAAAAGAAGTGACAGA (p.Thr15669fs)

Genes: TTN-AS1 (TTN antisense RNA 1; plus strand), TTN (titin; minus strand). Cytogenetic location: 2q31.2.
Variant type: Insertion.
Coding change: c.47003_47004insGCTCCCTCTCCCTCTCCCTCTCCCTCTCCCTCTCCCTCTCCCTCTCCCTNNNNNNNNNNAAAAAAAAAAAAAAAAAAAAAGAAGTGACAGA on transcript NM_001267550.2 (MANE Select); coding-DNA positions 47003 to 47004, GCTCCCTCTCCCTCTCCCTCTCCCTCTCCCTCTCCCTCTCCCTCTCCCTNNNNNNNNNNAAAAAAAAAAAAAAAAAAAAAGAAGTGACAGA inserted.
Protein change: p.Thr15669fs; shifts the reading frame from threonine 15669.
Molecular consequence: frameshift variant.
Genome position: GRCh38: chr2:178,618,466-178,618,467. GRCh37 (hg19): chr2:179,483,193-179,483,194.
Other names: c.42080_42081insGCTCCCTCTCCCTCTCCCTCTCCCTCTCCCTCTCCCTCTCCCTCTCCCTNNNNNNNNNNAAAAAAAAAAAAAAAAAAAAAGAAGTGACAGA, p.Thr14028fs (NM_001256850.1); c.19808_19809insGCTCCCTCTCCCTCTCCCTCTCCCTCTCCCTCTCCCTCTCCCTCTCCCTNNNNNNNNNNAAAAAAAAAAAAAAAAAAAAAGAAGTGACAGA, p.Thr6604fs (NM_003319.4); c.39299_39300insGCTCCCTCTCCCTCTCCCTCTCCCTCTCCCTCTCCCTCTCCCTCTCCCTNNNNNNNNNNAAAAAAAAAAAAAAAAAAAAAGAAGTGACAGA, p.Thr13101fs (NM_133378.4); c.20183_20184insGCTCCCTCTCCCTCTCCCTCTCCCTCTCCCTCTCCCTCTCCCTCTCCCTNNNNNNNNNNAAAAAAAAAAAAAAAAAAAAAGAAGTGACAGA, p.Thr6729fs (NM_133432.3); c.20384_20385insGCTCCCTCTCCCTCTCCCTCTCCCTCTCCCTCTCCCTCTCCCTCTCCCTNNNNNNNNNNAAAAAAAAAAAAAAAAAAAAAGAAGTGACAGA, p.Thr6796fs (NM_133437.4); short protein forms T6796fs, T13101fs, T6604fs, T6729fs, T14028fs, T15669fs.
Identifiers: ClinVar variation 4785429 (VCV004785429.1).

ClinVar aggregate classification (germline): Likely pathogenic (1 of 4 stars; one submission).

Conditions:
Autosomal recessive limb-girdle muscular dystrophy type 2J (LGMDR10). Also called: Limb-girdle muscular dystrophy, type 2J; MUSCULAR DYSTROPHY, LIMB-GIRDLE, AUTOSOMAL RECESSIVE 10. Identifiers: Orphanet 140922, MedGen C1837342, MONDO:0012127, OMIM 608807.
Dilated cardiomyopathy 1G (CMD1G). Identifiers: Orphanet 154, MedGen C1858763, MONDO:0011400, OMIM 604145.

Submission:

Labcorp Genetics (formerly Invitae), Labcorp
Classification: Likely pathogenic for Dilated cardiomyopathy 1G; Autosomal recessive limb-girdle muscular dystrophy type 2J. Last evaluated: 2025-11-18. Review status: criteria provided, single submitter. Criteria: Invitae Variant Classification Sherloc (09022015). Collection method: clinical testing. Allele origin: germline.
Comment: This sequence change inserts a large fragment of DNA, likely a transposable element, in exon 252 of the TTN gene (c.47003_47004ins?), causing a frameshift at codon 15669 (p.Thr15669fs). The exact size and sequence of the insertion cannot be determined by the current assay. While this is not anticipated to result in nonsense mediated decay, it is expected to create a truncated TTN protein. This variant is not present in population databases (gnomAD no frequency). This variant has not been reported in the literature in individuals affected with TTN-related conditions. This variant is located in the A band of TTN (PMID: 25589632). Truncating variants in this region are significantly overrepresented in patients affected with dilated cardiomyopathy (PMID: 25589632). Truncating variants in this region have also been reported in individuals affected with autosomal recessive centronuclear myopathy (PMID: 23975875). Retrotransposon insertions including LINE1 (L1), Alu, and SVA (SINE-VNTR-Alu) have been reported to disrupt protein function (PMID: 19763152, 20307669, 22406018). However the effect of this particular variant is unknown. In summary, the currently available evidence indicates that the variant is pathogenic, but additional data are needed to prove that conclusively. Therefore, this variant has been classified as Likely Pathogenic.

Literature cited by the submitters: PubMed 25589632; PubMed 23975875; PubMed 19763152; PubMed 20307669; PubMed 22406018.